The following is an entry in ClinVar:

ClinVar aggregate classification (germline): Benign. Review status: criteria provided, multiple submitters, no conflicts (2 of 4 stars). 3 submissions from 3 submitters: Benign (3). Last evaluated 2025-06-01.

Allele frequency attached by ClinVar (database versions not stated): 1000 Genomes Project 30x 0.00297; 1000 Genomes Project 0.00339; ExAC 0.00710; TOPMed 0.00750; gnomAD exomes 0.00754; ESP Exome Variant Server 0.00869.
gnomAD v4.1: 17,104 of 1,613,954 alleles (1.1%); highest among the groups gnomAD compares: Non-Finnish European, 1.3%; 124 homozygotes.

Submissions (3):

CeGaT Center for Human Genetics Tuebingen
Classification: Benign. Last evaluated: 2025-06-01. Review status: criteria provided, single submitter. Criteria: CeGaT Center For Human Genetics Tuebingen Variant Classification Criteria Version 2. Collection method: clinical testing. Allele origin: germline. Affected: yes. Observed: 1 variant allele.
Comment: ZHX2: BP4, BP7, BS1, BS2

Labcorp Genetics (formerly Invitae), Labcorp
Classification: Benign. Last evaluated: 2019-12-31. Review status: criteria provided, single submitter. Criteria: Invitae Variant Classification Sherloc (09022015). Collection method: clinical testing. Allele origin: germline.

Breakthrough Genomics
Classification: Benign. Review status: criteria provided, single submitter. Criteria: ACMG Guidelines, 2015. Collection method: not provided. Allele origin: germline. Inheritance: Unknown mechanism. Affected: yes.

NM_014943.5(ZHX2):c.1734G>A (p.Ser578=)

Gene: ZHX2 (zinc fingers and homeoboxes 2; plus strand). Cytogenetic location: 8q24.13.
Variant type: single nucleotide variant.
Coding change: c.1734G>A on transcript NM_014943.5 (MANE Select); coding-DNA position 1734, G replaced by A.
Protein change: p.Ser578=; no amino-acid change (serine 578 retained).
Molecular consequence: synonymous variant.
Genome position (GRCh38, 1-based): chr8:122,953,244, G>A. VCF-style: chr8-122953244-G-A. GRCh37 (hg19) VCF-style: chr8-123965484-G-A.
Other names: c.1734G>A, p.Ser578= (NM_001362797.2).
Identifiers: ClinVar variation 783842 (VCV000783842.13), dbSNP rs34092125, ClinGen allele CA4862417.